The following is an entry in ClinVar:

ClinVar aggregate classification (germline): Uncertain significance. Review status: criteria provided, multiple submitters, no conflicts (2 of 4 stars). 2 submissions from 2 submitters: Uncertain significance (2). Last evaluated 2025-06-08.

Allele frequency attached by ClinVar (database versions not stated): ExAC 0.00036; ESP Exome Variant Server 0.00038; gnomAD 0.00041; TOPMed 0.00053; gnomAD exomes 0.00057.
gnomAD v4.1: 876 of 1,613,284 alleles (0.054%); highest among the groups gnomAD compares: Non-Finnish European, 0.071%; no homozygotes.

Submissions (2):

Ambry Genetics
Classification: Uncertain significance. Last evaluated: 2025-06-08. Review status: criteria provided, single submitter. Criteria: Ambry Variant Classification Scheme 2023. Collection method: clinical testing. Allele origin: germline.

Labcorp Genetics (formerly Invitae), Labcorp
Classification: Uncertain significance. Last evaluated: 2025-05-18. Review status: criteria provided, single submitter. Criteria: Invitae Variant Classification Sherloc (09022015). Collection method: clinical testing. Allele origin: germline.
Comment: This sequence change replaces arginine, which is basic and polar, with glutamine, which is neutral and polar, at codon 745 of the AGAP1 protein (p.Arg745Gln). This variant is present in population databases (rs138364081, gnomAD 0.07%), and has an allele count higher than expected for a pathogenic variant. This variant has not been reported in the literature in individuals affected with AGAP1-related conditions. ClinVar contains an entry for this variant (Variation ID: 2075413). An algorithm developed to predict the effect of missense changes on protein structure and function (PolyPhen-2) suggests that this variant is likely to be disruptive. In summary, the available evidence is currently insufficient to determine the role of this variant in disease. Therefore, it has been classified as a Variant of Uncertain Significance.

NM_001037131.3(AGAP1):c.2393G>A (p.Arg798Gln)

Gene: AGAP1 (ArfGAP with GTPase domain, ankyrin repeat and PH domain 1; plus strand). Cytogenetic location: 2q37.2.
Variant type: single nucleotide variant.
Coding change: c.2393G>A on transcript NM_001037131.3 (MANE Select); coding-DNA position 2393, G replaced by A.
Protein change: p.Arg798Gln; replaces arginine 798 with glutamine.
Molecular consequence: missense variant.
Genome position (GRCh38, 1-based): chr2:236,123,941, G>A. VCF-style: chr2-236123941-G-A. GRCh37 (hg19) VCF-style: chr2-237032585-G-A.
Other names: c.2393G>A (NM_001037131.2); c.2234G>A, p.Arg745Gln (NM_014914.5); short protein forms R745Q, R798Q.
Identifiers: ClinVar variation 2075413 (VCV002075413.6), dbSNP rs138364081, ClinGen allele CA2185271.